The following is an entry in ClinVar:

ClinVar aggregate classification (germline): Conflicting classifications of pathogenicity. Review status: criteria provided, conflicting classifications (1 of 4 stars). 4 submissions from 4 submitters: Pathogenic (1); Uncertain significance (1). 2 of the submissions do not count toward it. Last evaluated 2023-02-09.

Conditions:
NR0B1-related disorder.
Congenital adrenal hypoplasia, X-linked (AHC). Also called: Isolated X-Linked Adrenal Hypoplasia Congenita; X-linked AHC; X-Linked Adrenal Hypoplasia Congenita; ADRENAL HYPOPLASIA, CONGENITAL, WITH HYPOGONADOTROPIC HYPOGONADISM. Identifiers: Orphanet 95702, MedGen C0342482, MONDO:0010264, OMIM 300200. Disease mechanism: loss of function.
46,XY sex reversal 2. Also called: Dosage-sensitive sex reversal; NR0B1-Related 46,XY CGD; NR0B1-related 46,XY complete gonadal dysgenesis; 46,XY SEX REVERSAL, DAX1-RELATED; 46XY sex reversal 2, dosage-sensitive. Identifiers: MedGen C1848296, MONDO:0010226, OMIM 300018.

Submissions (4):

Labcorp Genetics (formerly Invitae), Labcorp
Classification: Uncertain significance for Congenital adrenal hypoplasia, X-linked; 46,XY sex reversal 2. Last evaluated: 2023-02-09. Review status: criteria provided, single submitter. Criteria: Invitae Variant Classification Sherloc (09022015). Collection method: clinical testing. Allele origin: germline.
Comment: This sequence change replaces leucine, which is neutral and non-polar, with proline, which is neutral and non-polar, at codon 297 of the NR0B1 protein (p.Leu297Pro). This variant is not present in population databases (gnomAD no frequency). This missense change has been observed in individuals with clinical features of X-linked congenital adrenal hypoplasia (PMID: 12629128; Invitae). ClinVar contains an entry for this variant (Variation ID: 10976). Advanced modeling of protein sequence and biophysical properties (such as structural, functional, and spatial information, amino acid conservation, physicochemical variation, residue mobility, and thermodynamic stability) performed at Invitae indicates that this missense variant is expected to disrupt NR0B1 protein function. Experimental studies have shown that this missense change affects NR0B1 function (PMID: 12629128). In summary, the available evidence is currently insufficient to determine the role of this variant in disease. Therefore, it has been classified as a Variant of Uncertain Significance.

Blueprint Genetics
Classification: Pathogenic for NR0B1-related disorders. Last evaluated: 2022-02-10. Review status: criteria provided, single submitter. Criteria: ACMG Guidelines, 2015. Collection method: clinical testing. Allele origin: germline. Affected: yes. Observed: 1 variant allele.

Clinical Molecular Genetics Laboratory, Johns Hopkins All Children's Hospital
Classification: Pathogenic for Congenital adrenal hypoplasia, X-linked. Last evaluated: 2010-02-27. Review status: no assertion criteria provided. Collection method: clinical testing. Allele origin: germline. Affected: yes. Not counted in ClinVar's aggregate classification.

OMIM
Classification: Pathogenic for ADRENAL HYPOPLASIA, CONGENITAL. Last evaluated: 2003-03-01. Review status: no assertion criteria provided. Collection method: literature only. Allele origin: germline. Not counted in ClinVar's aggregate classification.

Literature cited by the submitters: PubMed 12629128 (cited by Labcorp Genetics (formerly Invitae), Labcorp and OMIM).

NM_000475.5(NR0B1):c.890T>C (p.Leu297Pro)

Gene: NR0B1 (nuclear receptor subfamily 0 group B member 1; minus strand). Cytogenetic location: Xp21.2.
Variant type: single nucleotide variant.
Coding change: c.890T>C on transcript NM_000475.5 (MANE Select); coding-DNA position 890, T replaced by C.
Protein change: p.Leu297Pro; replaces leucine 297 with proline.
Molecular consequence: missense variant.
Genome position (GRCh38, 1-based): chrX:30,308,474, A>G on the plus strand (T>C on the coding strand, the complement: NR0B1 is on the minus strand). VCF-style: chrX-30308474-A-G. GRCh37 (hg19) VCF-style: chrX-30326591-A-G.
Other names: short protein forms L297P.
Identifiers: ClinVar variation 10976 (VCV000010976.5), dbSNP rs104894907, ClinGen allele CA255642.
Genomic context (GRCh38, chrX:30,308,474, plus strand): 5'-AGCATGCTGGGCTCCGAGACTTCCACAGTCTCGAACTGCAAGCGGTCCTGGGCCAGCTCA[A>G]GCATGAGCAGGGACGCCCAGCAGTTGCGCACCAGCACCAGCTGCTGGTCCAGGGGCAGCA-3'
Protein context (NP_000466.2, residues 287-307): VRNCWASLLM[Leu297Pro]ELAQDRLQFE